The following is an entry in ClinVar:

ClinVar aggregate classification (germline): Conflicting classifications of pathogenicity. Review status: criteria provided, conflicting classifications (1 of 4 stars). 4 submissions from 4 submitters: Uncertain significance (3); Likely benign (1). Last evaluated 2025-12-08.

Conditions:
Amyloidosis, hereditary systemic 1 (AMYLD1). Also called: Familial amyloid polyneuropathy; Transthyretin Amyloidosis; Isolated Cardiac Amyloidosis; Amyloid Cardiomyopathy, Transthyretin-related; AMYLOID CARDIOMYOPATHY; Hereditary Transthyretin Amyloidosis. Identifiers: Orphanet 85447, Orphanet 85451, MedGen C2751492, MONDO:0971004, OMIM 105210.
Carpal tunnel syndrome 1 (CTS1). Also called: Carpal tunnel syndrome, familial. Identifiers: MedGen C5779776, MONDO:0020730, OMIM 115430.
Hyperthyroxinemia, dystransthyretinemic. Also called: HYPERTHYROXINEMIA, DYSPREALBUMINEMIC; EUTHRYROIDAL HYPERTHYROXINEMIA 2. Identifiers: MedGen C2750824, MONDO:0007785, OMIM 145680.
Cardiovascular phenotype. Identifiers: MedGen CN230736.

Allele frequency attached by ClinVar (database versions not stated): gnomAD exomes 0.00001.

Submissions (4):

Labcorp Genetics (formerly Invitae), Labcorp
Classification: Uncertain significance for Amyloidosis, hereditary systemic 1. Last evaluated: 2025-12-08. Review status: criteria provided, single submitter. Criteria: Invitae Variant Classification Sherloc (09022015). Collection method: clinical testing. Allele origin: germline.
Comment: This sequence change replaces histidine, which is basic and polar, with asparagine, which is neutral and polar, at codon 51 of the TTR protein (p.His51Asn). This variant is present in population databases (no rsID available, gnomAD 0.009%). This variant has not been reported in the literature in individuals affected with TTR-related conditions. ClinVar contains an entry for this variant (Variation ID: 1419301). An algorithm developed to predict the effect of missense changes on protein structure and function outputs the following: PolyPhen-2: "Benign". The asparagine amino acid residue is found in multiple mammalian species, which suggests that this missense change does not adversely affect protein function. In summary, the available evidence is currently insufficient to determine the role of this variant in disease. Therefore, it has been classified as a Variant of Uncertain Significance.

Athena Diagnostics
Classification: Uncertain significance. Last evaluated: 2025-11-10. Review status: criteria provided, single submitter. Criteria: Athena Diagnostics Criteria. Collection method: clinical testing. Allele origin: unknown.
Comment: Available data are insufficient to determine the clinical significance of the variant at this time. The frequency of this variant in the general population is uninformative in assessment of its pathogenicity. This variant has been identified in at least one individual with clinical features associated with this gene. Polyphen and MutationTaster predict this amino acid change may be benign.

Ambry Genetics
Classification: Likely benign for Cardiovascular phenotype. Last evaluated: 2025-10-06. Review status: criteria provided, single submitter. Criteria: Ambry Variant Classification Scheme 2023. Collection method: clinical testing. Allele origin: germline.

Fulgent Genetics
Classification: Uncertain significance for Amyloidosis, hereditary systemic 1; Carpal tunnel syndrome 1; Hyperthyroxinemia, dystransthyretinemic. Last evaluated: 2022-05-11. Review status: criteria provided, single submitter. Criteria: ACMG Guidelines, 2015. Collection method: clinical testing. Allele origin: unknown.

Literature cited by the submitters: PubMed 40804349 (cited by Athena Diagnostics); PubMed 27364045 (cited by Athena Diagnostics).

NM_000371.4(TTR):c.151C>A (p.His51Asn)

Gene: TTR (transthyretin; plus strand). Cytogenetic location: 18q12.1.
Variant type: single nucleotide variant.
Coding change: c.151C>A on transcript NM_000371.4 (MANE Select); coding-DNA position 151, C replaced by A.
Protein change: p.His51Asn; replaces histidine 51 with asparagine.
Molecular consequence: missense variant.
Genome position (GRCh38, 1-based): chr18:31,592,977, C>A. VCF-style: chr18-31592977-C-A. GRCh37 (hg19) VCF-style: chr18-29172940-C-A.
Other names: c.151C>A (NM_000371.3); short protein forms H51N.
Identifiers: ClinVar variation 1419301 (VCV001419301.11), dbSNP rs915983905, ClinGen allele CA297736918.